The following is an entry in ClinVar:

NM_000124.4(ERCC6):c.583C>T (p.Leu195Phe)

Gene: ERCC6 (ERCC excision repair 6, chromatin remodeling factor; minus strand). Cytogenetic location: 10q11.23.
Variant type: single nucleotide variant.
Coding change: c.583C>T on transcript NM_000124.4 (MANE Select); coding-DNA position 583, C replaced by T.
Protein change: p.Leu195Phe; replaces leucine 195 with phenylalanine.
Molecular consequence: missense variant.
Genome position (GRCh38, 1-based): chr10:49,528,486, G>A on the plus strand (C>T on the coding strand, the complement: ERCC6 is on the minus strand). VCF-style: chr10-49528486-G-A. GRCh37 (hg19) VCF-style: chr10-50736532-G-A.
Other names: c.583C>T, p.Leu195Phe (NM_001277058.2, NM_001277059.2, NM_001346440.2); short protein forms L195F.
Identifiers: ClinVar variation 2062468 (VCV002062468.4), dbSNP rs1837393226, ClinGen allele CA376709325.

ClinVar aggregate classification (germline): Uncertain significance (1 of 4 stars; one submission).

Allele frequency attached by ClinVar (database versions not stated): gnomAD exomes below 0.00001.
gnomAD v4.1: 1 of 1,614,190 alleles (0.000062%); highest among the groups gnomAD compares: East Asian, 0.0022%; no homozygotes.

Submission:

Labcorp Genetics (formerly Invitae), Labcorp
Classification: Uncertain significance. Last evaluated: 2024-02-24. Review status: criteria provided, single submitter. Criteria: Invitae Variant Classification Sherloc (09022015). Collection method: clinical testing. Allele origin: germline.
Comment: This sequence change replaces leucine, which is neutral and non-polar, with phenylalanine, which is neutral and non-polar, at codon 195 of the ERCC6 protein (p.Leu195Phe). This variant is not present in population databases (gnomAD no frequency). This variant has not been reported in the literature in individuals affected with ERCC6-related conditions. ClinVar contains an entry for this variant (Variation ID: 2062468). Advanced modeling of protein sequence and biophysical properties (such as structural, functional, and spatial information, amino acid conservation, physicochemical variation, residue mobility, and thermodynamic stability) performed at Invitae indicates that this missense variant is not expected to disrupt ERCC6 protein function with a negative predictive value of 80%. In summary, the available evidence is currently insufficient to determine the role of this variant in disease. Therefore, it has been classified as a Variant of Uncertain Significance.